The following is an entry in ClinVar:

ClinVar aggregate classification (germline): Conflicting classifications of pathogenicity. Review status: criteria provided, conflicting classifications (1 of 4 stars). 2 submissions from 2 submitters: Uncertain significance (1); Benign (1). Last evaluated 2025-01-24.

Conditions:
Hereditary cancer-predisposing syndrome. Also called: Hereditary neoplastic syndrome; Hereditary Cancer Syndrome; Tumor predisposition; Neoplastic Syndromes, Hereditary. Identifiers: Orphanet 140162, MedGen C0027672, MeSH D009386, MONDO:0015356.
Gorlin syndrome. Also called: Nevoid Basal Cell Carcinoma Syndrome; Basal cell nevus syndrome. Identifiers: Orphanet 377, MedGen C0004779, MONDO:0007187.

Allele frequency attached by ClinVar (database versions not stated): gnomAD 0.00001; TOPMed 0.00001.
gnomAD v4.1: 2 of 1,614,078 alleles (0.00012%); highest among the groups gnomAD compares: African/African-American, 0.0027%; no homozygotes.

Submissions (2):

Ambry Genetics
Classification: Uncertain significance for Hereditary cancer-predisposing syndrome. Last evaluated: 2025-01-24. Review status: criteria provided, single submitter. Criteria: Ambry Variant Classification Scheme 2023. Collection method: clinical testing. Allele origin: germline.
Comment: The p.C1043F variant (also known as c.3128G>T), located in coding exon 18 of the PTCH1 gene, results from a G to T substitution at nucleotide position 3128. The cysteine at codon 1043 is replaced by phenylalanine, an amino acid with highly dissimilar properties. This amino acid position is conserved. In addition, this alteration is predicted to be deleterious by in silico analysis. Based on the available evidence, the clinical significance of this variant remains unclear.

Labcorp Genetics (formerly Invitae), Labcorp
Classification: Benign for Gorlin syndrome. Last evaluated: 2022-12-06. Review status: criteria provided, single submitter. Criteria: Invitae Variant Classification Sherloc (09022015). Collection method: clinical testing. Allele origin: germline.

NM_000264.5(PTCH1):c.3128G>T (p.Cys1043Phe)

Gene: PTCH1 (patched 1; minus strand). Cytogenetic location: 9q22.32.
Variant type: single nucleotide variant.
Coding change: c.3128G>T on transcript NM_000264.5 (MANE Select); coding-DNA position 3128, G replaced by T.
Protein change: p.Cys1043Phe; replaces cysteine 1043 with phenylalanine.
Molecular consequence: missense variant. On other transcripts: non-coding transcript variant (1).
Genome position (GRCh38, 1-based): chr9:95,458,053, C>A on the plus strand (G>T on the coding strand, the complement: PTCH1 is on the minus strand). VCF-style: chr9-95458053-C-A. GRCh37 (hg19) VCF-style: chr9-98220335-C-A.
Other names: c.2930G>T, p.Cys977Phe (NM_001083602.3); c.3125G>T, p.Cys1042Phe (NM_001083603.3); c.2675G>T, p.Cys892Phe (NM_001083604.3, NM_001083605.3, NM_001083606.3 and 1 more transcripts); c.2972G>T, p.Cys991Phe (NM_001354918.2); short protein forms C1043F, C892F, C977F, C991F, C1042F.
Identifiers: ClinVar variation 969661 (VCV000969661.11), dbSNP rs1345405015, ClinGen allele CA374112329.